The following is an entry in ClinVar:

NM_001003800.2(BICD2):c.598C>G (p.Gln200Glu)

Gene: BICD2 (BICD cargo adaptor 2; minus strand). Cytogenetic location: 9q22.31.
Variant type: single nucleotide variant.
Coding change: c.598C>G on transcript NM_001003800.2 (MANE Select); coding-DNA position 598, C replaced by G.
Protein change: p.Gln200Glu; replaces glutamine 200 with glutamic acid.
Molecular consequence: missense variant.
Genome position (GRCh38, 1-based): chr9:92,722,664, G>C on the plus strand (C>G on the coding strand, the complement: BICD2 is on the minus strand). VCF-style: chr9-92722664-G-C. GRCh37 (hg19) VCF-style: chr9-95484946-G-C.
Other names: c.598C>G, p.Gln200Glu (NM_015250.4); short protein forms Q200E.
Identifiers: ClinVar variation 2200084 (VCV002200084.4), dbSNP rs750967485, ClinGen allele CA5126779.

ClinVar aggregate classification (germline): Uncertain significance (1 of 4 stars; one submission).

Conditions:
Autosomal dominant childhood-onset proximal spinal muscular atrophy with contractures (SMALED2A). Also called: SPINAL MUSCULAR ATROPHY, LOWER EXTREMITY-PREDOMINANT, 2A, CHILDHOOD ONSET, AUTOSOMAL DOMINANT; Spinal muscular atrophy, lower extremity-predominant, 2A, autosomal dominant. Identifiers: Orphanet 363447, Orphanet 363454, MedGen C4747715, MONDO:0014121, OMIM 615290.

Allele frequency attached by ClinVar (database versions not stated): gnomAD exomes below 0.00001; ExAC 0.00001.
gnomAD v4.1: 6 of 1,614,200 alleles (0.00037%); highest among the groups gnomAD compares: Middle Eastern, 0.016%; no homozygotes.

Submission:

Labcorp Genetics (formerly Invitae), Labcorp
Classification: Uncertain significance for Autosomal dominant childhood-onset proximal spinal muscular atrophy with contractures. Last evaluated: 2022-10-18. Review status: criteria provided, single submitter. Criteria: Invitae Variant Classification Sherloc (09022015). Collection method: clinical testing. Allele origin: germline.
Comment: This sequence change replaces glutamine, which is neutral and polar, with glutamic acid, which is acidic and polar, at codon 200 of the BICD2 protein (p.Gln200Glu). This variant is present in population databases (rs750967485, gnomAD 0.0009%). This variant has not been reported in the literature in individuals affected with BICD2-related conditions. Advanced modeling of protein sequence and biophysical properties (such as structural, functional, and spatial information, amino acid conservation, physicochemical variation, residue mobility, and thermodynamic stability) performed at Invitae indicates that this missense variant is not expected to disrupt BICD2 protein function. In summary, the available evidence is currently insufficient to determine the role of this variant in disease. Therefore, it has been classified as a Variant of Uncertain Significance.